The following is an entry in ClinVar:

ClinVar aggregate classification (germline): Uncertain significance (1 of 4 stars; one submission).

Conditions:
Fanconi anemia (FA). Also called: Fanconi's anemia. Identifiers: Orphanet 84, MedGen C0015625, MeSH D005199, MONDO:0019391.

Submission:

Labcorp Genetics (formerly Invitae), Labcorp
Classification: Uncertain significance for Fanconi anemia. Last evaluated: 2020-06-13. Review status: criteria provided, single submitter. Criteria: Invitae Variant Classification Sherloc (09022015). Collection method: clinical testing. Allele origin: germline.
Comment: Algorithms developed to predict the effect of missense changes on protein structure and function (SIFT, PolyPhen-2, Align-GVGD) all suggest that this variant is likely to be disruptive, but these predictions have not been confirmed by published functional studies and their clinical significance is uncertain. In summary, this variant has uncertain impact on FANCF function. The available evidence is currently insufficient to determine its role in disease. Therefore, it has been classified as a Variant of Uncertain Significance. This variant has not been reported in the literature in individuals with a FANCF-related disease. This variant is not present in population databases (ExAC no frequency). This sequence change replaces leucine with proline at codon 209 of the FANCF protein (p.Leu209Pro). The leucine residue is highly conserved and there is a moderate physicochemical difference between leucine and proline.

NM_022725.4(FANCF):c.626T>C (p.Leu209Pro)

Gene: FANCF (FA complementation group F; minus strand). Cytogenetic location: 11p14.3.
Variant type: single nucleotide variant.
Coding change: c.626T>C on transcript NM_022725.4 (MANE Select); coding-DNA position 626, T replaced by C.
Protein change: p.Leu209Pro; replaces leucine 209 with proline.
Molecular consequence: missense variant.
Genome position (GRCh38, 1-based): chr11:22,625,185, A>G on the plus strand (T>C on the coding strand, the complement: FANCF is on the minus strand). VCF-style: chr11-22625185-A-G. GRCh37 (hg19) VCF-style: chr11-22646731-A-G.
Other names: short protein forms L209P.
Identifiers: ClinVar variation 456285 (VCV000456285.8), dbSNP rs1554963662, ClinGen allele CA380058655.